The following is an entry in ClinVar:

ClinVar aggregate classification (germline): Conflicting classifications of pathogenicity. Review status: criteria provided, conflicting classifications (1 of 4 stars). 3 submissions from 3 submitters: Uncertain significance (1); Likely benign (2). Last evaluated 2025-06-23.

Conditions:
Inborn genetic diseases. Identifiers: MedGen C0950123, MeSH D030342.

gnomAD v4.1: 15 of 1,613,232 alleles (0.00093%); highest among the groups gnomAD compares: East Asian, 0.031%; no homozygotes.

Submissions (3):

Labcorp Genetics (formerly Invitae), Labcorp
Classification: Uncertain significance. Last evaluated: 2025-06-23. Review status: criteria provided, single submitter. Criteria: Invitae Variant Classification Sherloc (09022015). Collection method: clinical testing. Allele origin: germline.
Comment: This sequence change replaces histidine, which is basic and polar, with glutamine, which is neutral and polar, at codon 298 of the ETV6 protein (p.His298Gln). This variant is present in population databases (rs756059818, gnomAD 0.03%). This variant has not been reported in the literature in individuals affected with ETV6-related conditions. ClinVar contains an entry for this variant (Variation ID: 3510586). Invitae Evidence Modeling of protein sequence and biophysical properties (such as structural, functional, and spatial information, amino acid conservation, physicochemical variation, residue mobility, and thermodynamic stability) indicates that this missense variant is not expected to disrupt ETV6 protein function with a negative predictive value of 80%. In summary, the available evidence is currently insufficient to determine the role of this variant in disease. Therefore, it has been classified as a Variant of Uncertain Significance.

Ambry Genetics
Classification: Likely benign for Inborn genetic diseases. Last evaluated: 2024-10-17. Review status: criteria provided, single submitter. Criteria: Ambry Variant Classification Scheme 2023. Collection method: clinical testing. Allele origin: germline.

Blueprint Genetics
Classification: Likely benign. Last evaluated: 2023-02-07. Review status: criteria provided, single submitter. Criteria: ACMG Guidelines, 2015. Collection method: clinical testing. Allele origin: germline.

NM_001987.5(ETV6):c.894T>G (p.His298Gln)

Gene: ETV6 (ETS variant transcription factor 6; plus strand). Cytogenetic location: 12p13.2.
Variant type: single nucleotide variant.
Coding change: c.894T>G on transcript NM_001987.5 (MANE Select); coding-DNA position 894, T replaced by G.
Protein change: p.His298Gln; replaces histidine 298 with glutamine.
Molecular consequence: missense variant.
Genome position (GRCh38, 1-based): chr12:11,869,854, T>G. VCF-style: chr12-11869854-T-G. GRCh37 (hg19) VCF-style: chr12-12022788-T-G.
Other names: c.891T>G, p.His297Gln (NM_001413913.1); c.867T>G, p.His289Gln (NM_001413914.1); c.630T>G, p.His210Gln (NM_001413915.1); c.894T>G, p.His298Gln (NM_001413916.1, NM_001413917.1); short protein forms H289Q, H298Q, H210Q, H297Q.
Identifiers: ClinVar variation 3510586 (VCV003510586.3).